The following is an entry in ClinVar:

ClinVar aggregate classification (germline): Uncertain significance. Review status: criteria provided, multiple submitters, no conflicts (2 of 4 stars). 2 submissions from 2 submitters: Uncertain significance (2). Last evaluated 2026-01-01.

Conditions:
Inborn genetic diseases. Identifiers: MedGen C0950123, MeSH D030342.

Allele frequency attached by ClinVar (database versions not stated): TOPMed 0.00001; gnomAD 0.00002; gnomAD exomes 0.00004; ExAC 0.00012; 1000 Genomes Project 30x 0.00016; 1000 Genomes Project 0.00020.
gnomAD v4.1: 66 of 1,613,674 alleles (0.0041%); highest among the groups gnomAD compares: South Asian, 0.068%; no homozygotes.

Submissions (2):

Labcorp Genetics (formerly Invitae), Labcorp
Classification: Uncertain significance. Last evaluated: 2026-01-01. Review status: criteria provided, single submitter. Criteria: Invitae Variant Classification Sherloc (09022015). Collection method: clinical testing. Allele origin: germline.
Comment: This sequence change replaces lysine, which is basic and polar, with glutamic acid, which is acidic and polar, at codon 195 of the TTC37 protein (p.Lys195Glu). This variant is present in population databases (rs534555195, gnomAD 0.07%). This variant has not been reported in the literature in individuals affected with TTC37-related conditions. ClinVar contains an entry for this variant (Variation ID: 2056010). An algorithm developed to predict the effect of missense changes on protein structure and function outputs the following: PolyPhen-2: "Benign". The glutamic acid amino acid residue is found in multiple mammalian species, which suggests that this missense change does not adversely affect protein function. In summary, the available evidence is currently insufficient to determine the role of this variant in disease. Therefore, it has been classified as a Variant of Uncertain Significance.

Ambry Genetics
Classification: Uncertain significance for Inborn genetic diseases. Last evaluated: 2025-06-06. Review status: criteria provided, single submitter. Criteria: Ambry Variant Classification Scheme 2023. Collection method: clinical testing. Allele origin: germline.

NM_014639.4(SKIC3):c.583A>G (p.Lys195Glu)

Gene: SKIC3 (SKI3 subunit of superkiller complex; minus strand). Cytogenetic location: 5q15.
Variant type: single nucleotide variant.
Coding change: c.583A>G on transcript NM_014639.4 (MANE Select); coding-DNA position 583, A replaced by G.
Protein change: p.Lys195Glu; replaces lysine 195 with glutamic acid.
Molecular consequence: missense variant.
Genome position (GRCh38, 1-based): chr5:95,537,102, T>C on the plus strand (A>G on the coding strand, the complement: SKIC3 is on the minus strand). VCF-style: chr5-95537102-T-C. GRCh37 (hg19) VCF-style: chr5-94872806-T-C.
Other names: short protein forms K195E.
Identifiers: ClinVar variation 2056010 (VCV002056010.4), dbSNP rs534555195, ClinGen allele CA3347576.
Genomic context (GRCh38, chr5:95,537,102, plus strand): 5'-CTTTGGATAAACTCTGAATGAAATGCCTATAAAGTACTTGGTGATCTTCACTAGGAATCT[T>C]ATCTGATAATCCCAGTGCATTCTCAAAAGCAGTAAAAAGCTGAAACAAATAAAAAAGCTA-3'
Protein context (NP_055454.1, residues 185-205): AFENALGLSD[Lys195Glu]IPSEDHQVLY